The following is an entry in ClinVar:

NM_000152.5(GAA):c.2132C>G (p.Thr711Arg)

Gene: GAA (alpha glucosidase; plus strand). Cytogenetic location: 17q25.3.
Variant type: single nucleotide variant.
Coding change: c.2132C>G on transcript NM_000152.5 (MANE Select); coding-DNA position 2132, C replaced by G.
Protein change: p.Thr711Arg; replaces threonine 711 with arginine.
Molecular consequence: missense variant.
Genome position (GRCh38, 1-based): chr17:80,113,309, C>G. VCF-style: chr17-80113309-C-G. GRCh37 (hg19) VCF-style: chr17-78087108-C-G.
Other names: c.2132C>G, p.Thr711Arg (NM_001079803.3, NM_001079804.3); c.2132C>G (NM_000152.4, LRG_673t1); short protein forms T711R.
Identifiers: ClinVar variation 381006 (VCV000381006.15), dbSNP rs759292700, ClinGen allele CA8815620.

ClinVar aggregate classification (germline): Conflicting classifications of pathogenicity. Review status: criteria provided, conflicting classifications (1 of 4 stars). 9 submissions from 9 submitters: Likely pathogenic (2); Uncertain significance (5); Likely benign (2). Last evaluated 2026-07-01.

Conditions:
Glycogen storage disease due to acid maltase deficiency, late-onset (LOPD). Also called: POMPE DISEASE, LATE-ONSET; GLYCOGEN STORAGE DISEASE II, LATE-ONSET; ACID ALPHA-GLUCOSIDASE DEFICIENCY, LATE-ONSET; GAA DEFICIENCY, LATE-ONSET; ACID MALTASE DEFICIENCY, LATE-ONSET; AMD, LATE-ONSET. Identifiers: Orphanet 420429, MedGen C0342753, MONDO:0018485, OMIM 621314.
Glycogen storage disease, type II (IOPD). Also called: Glucosidase acid-1,4-alpha deficiency; Pompe Disease; POMPE DISEASE, INFANTILE-ONSET; GLYCOGEN STORAGE DISEASE II, INFANTILE-ONSET; ACID ALPHA-GLUCOSIDASE DEFICIENCY, INFANTILE-ONSET; GAA DEFICIENCY, INFANTILE-ONSET. Identifiers: Orphanet 365, MedGen C0017921, MONDO:0009290, OMIM 232300.

Allele frequency attached by ClinVar (database versions not stated): gnomAD 0.00003; TOPMed 0.00006; ExAC 0.00015.
gnomAD v4.1: 58 of 1,599,714 alleles (0.0036%); highest among the groups gnomAD compares: East Asian, 0.12%; no homozygotes.

Submissions (9):

Genomenon, Inc
Classification: Likely benign for Glycogen storage disease, type II. Last evaluated: 2026-07-01. Review status: criteria provided, single submitter. Criteria: Genomenon Sequence Variant Interpretation Standards - Updated. Collection method: curation. Allele origin: germline. Affected: yes.
Comment: GAA p.Thr711Arg (c.2132C>G) is a missense variant that changes the amino acid at codon 711 from Threonine to Arginine. This variant has been observed in at least one proband with a GAA-related disorder (PMID:28394184;39010129). This variant has been identified in cis with a pathogenic/likely pathogenic variant in at least one individual with a GAA-related disorder, suggesting that this variant is unlikely to be clinically significant (PMID:39213226;22644586). Well-established functional studies show no damaging effect of this variant on protein function, supporting a benign classification (PMID:22644586). In silico models predict that this variant is possibly or probably damaging. In conclusion, we classify GAA p.Thr711Arg (c.2132C>G) as a likely benign variant.

Natera, Inc.
Classification: Likely pathogenic for Glycogen storage disease type II. Last evaluated: 2025-09-15. Review status: criteria provided, single submitter. Criteria: Natera Variant Classification Schema (03/2026). Collection method: clinical testing. Allele origin: germline.
Comment: The c.2132C>G variant in GAA is a missense variant predicted to cause substitution of threonine to arginine at amino acid 711. This variant is rare in the general population with a frequency below the threshold expected for the associated phenotype(s). This variant has been observed in one or more individuals affected with the associated recessive disease, as either homozygous or compound heterozygous with a second variant (PMID: 23884227, 18211760). Additionally, this variant has been observed to segregate in affected family members (PMID: 23884227). This variant has been identified in one or more affected individuals with a phenotype highly consistent with the associated gene (PMID: 23884227). Computational prediction algorithms indicate this variant is likely to affect gene or protein function. Given the available evidence, this variant is classified as Likely Pathogenic.

Revvity Omics, Revvity
Classification: Uncertain significance. Last evaluated: 2024-10-01. Review status: criteria provided, single submitter. Criteria: ACMG Guidelines, 2015. Collection method: clinical testing. Allele origin: germline.

Blueprint Genetics
Classification: Uncertain significance. Last evaluated: 2024-07-01. Review status: criteria provided, single submitter. Criteria: ACMG Guidelines, 2015. Collection method: clinical testing. Allele origin: germline.

3billion
Classification: Uncertain significance for Glycogen storage disease, type II. Last evaluated: 2024-03-15. Review status: criteria provided, single submitter. Criteria: ACMG Guidelines, 2015. Collection method: clinical testing. Allele origin: germline. Affected: yes.
Comment: The variant is observed at an extremely low frequency in the gnomAD v2.1.1 dataset (total allele frequency: 0.009%). Predicted Consequence/Location: Missense variant In silico tool predictions suggest damaging effect of the variant on gene or gene product [REVEL: 0.91 (>=0.6, sensitivity 0.68 and specificity 0.92); 3Cnet: 0.98 (>=0.6, sensitivity 0.72 and precision 0.9)]. Different missense changes at the same codon (p.Thr711Ala, p.Thr711Pro) have been reported as pathogenic/likely pathogenic with strong evidence (ClinVar ID: VCV001469435, VCV001479743 /PMID: 33560568). The variant has been reported as benign without evidence for the classification (ClinVar ID: VCV000381006). Therefore, this variant is classified as VUS according to the recommendation of ACMG/AMP guideline.

Genome-Nilou Lab
Classification: Uncertain significance for Glycogen storage disease, type II. Last evaluated: 2021-07-22. Review status: criteria provided, single submitter. Criteria: ACMG Guidelines, 2015. Collection method: clinical testing. Allele origin: germline. Affected: no.

Eurofins Ntd Llc (ga)
Classification: Uncertain significance. Last evaluated: 2017-07-10. Review status: criteria provided, single submitter. Criteria: EGL Classification Definitions 2015. Collection method: clinical testing. Allele origin: germline. Observed: 1 variant allele, 1 heterozygote.

GeneDx
Classification: Likely benign. Last evaluated: 2016-05-18. Review status: criteria provided, single submitter. Criteria: GeneDx Variant Classification (06012015). Collection method: clinical testing. Allele origin: germline. Affected: yes.
Comment: This variant is considered likely benign or benign based on one or more of the following criteria: it is a conservative change, it occurs at a poorly conserved position in the protein, it is predicted to be benign by multiple in silico algorithms, and/or has population frequency not consistent with disease.

Juno Genomics, Hangzhou Juno Genomics, Inc
Classification: Likely pathogenic for Glycogen storage disease, type II; Glycogen storage disease due to acid maltase deficiency, late-onset. Review status: criteria provided, single submitter. Criteria: ACMG Guidelines, 2015. Collection method: clinical testing. Allele origin: germline.
Comment: Multiple lines of computational evidence support a deleterious effect on the gene or gene product.;For recessive disorders, detected in trans with a pathogenic variant.;Patient's phenotype or family history is highly specific for a disease with a single genetic etiology.

Literature cited by the submitters: PubMed 28394184 (cited by Genomenon, Inc); PubMed 39010129 (cited by Genomenon, Inc); PubMed 39213226 (cited by Genomenon, Inc); PubMed 22644586 (cited by Genomenon, Inc); PubMed 23884227 (cited by Natera, Inc.); PubMed 18211760 (cited by Natera, Inc.); PubMed 33560568 (cited by 3billion).